The following is an entry in ClinVar:

NM_021076.4(NEFH):c.2T>C (p.Met1Thr)

Gene: NEFH (neurofilament heavy chain; plus strand). Cytogenetic location: 22q12.2.
Variant type: single nucleotide variant.
Coding change: c.2T>C on transcript NM_021076.4 (MANE Select); coding-DNA position 2, T replaced by C.
Protein change: p.Met1Thr; changes the start codon (methionine 1).
Molecular consequence: missense variant, initiator codon variant.
Genome position (GRCh38, 1-based): chr22:29,480,264, T>C. VCF-style: chr22-29480264-T-C. GRCh37 (hg19) VCF-style: chr22-29876253-T-C.
Other names: short protein forms M1T.
Identifiers: ClinVar variation 2865451 (VCV002865451.3), dbSNP rs1379284205, ClinGen allele CA411120752.

ClinVar aggregate classification (germline): Uncertain significance (1 of 4 stars; one submission).

Submission:

Labcorp Genetics (formerly Invitae), Labcorp
Classification: Uncertain significance. Last evaluated: 2023-01-25. Review status: criteria provided, single submitter. Criteria: Invitae Variant Classification Sherloc (09022015). Collection method: clinical testing. Allele origin: germline.
Comment: In summary, the available evidence is currently insufficient to determine the role of this variant in disease. Therefore, it has been classified as a Variant of Uncertain Significance. Experimental studies and prediction algorithms are not available or were not evaluated, and the functional significance of this variant is currently unknown. This variant has not been reported in the literature in individuals affected with NEFH-related conditions. This variant is not present in population databases (gnomAD no frequency). This sequence change affects the initiator methionine of the NEFH mRNA. The next in-frame methionine is located at codon 2.